The following is an entry in ClinVar:

NM_000170.3(GLDC):c.660C>T (p.Leu220=)

Gene: GLDC (glycine decarboxylase; minus strand). Cytogenetic location: 9p24.1.
Variant type: single nucleotide variant.
Coding change: c.660C>T on transcript NM_000170.3 (MANE Select); coding-DNA position 660, C replaced by T.
Protein change: p.Leu220=; no amino-acid change (leucine 220 retained).
Molecular consequence: synonymous variant.
Genome position (GRCh38, 1-based): chr9:6,606,645, G>A on the plus strand (C>T on the coding strand, the complement: GLDC is on the minus strand). VCF-style: chr9-6606645-G-A. GRCh37 (hg19) VCF-style: chr9-6606645-G-A.
Other names: p.Leu220=.
Identifiers: ClinVar variation 367202 (VCV000367202.20), dbSNP rs2228095, ClinGen allele CA4981049.

ClinVar aggregate classification (germline): Benign. Review status: criteria provided, multiple submitters, no conflicts (2 of 4 stars). 8 submissions from 8 submitters: Benign (7). 1 of the submissions does not count toward it. Last evaluated 2026-02-04.

Conditions:
Glycine encephalopathy. Also called: Non-ketotic hyperglycinemia; Nonketotic hyperglycinemia. Identifiers: Orphanet 407, MedGen C0751748, MONDO:0011612, HP:0008288.

Allele frequency attached by ClinVar (database versions not stated): gnomAD exomes 0.00750 and 0.02060; ExAC 0.02445; gnomAD 0.06723 and 0.07130; TOPMed 0.07510; ESP Exome Variant Server 0.07650; 1000 Genomes Project 0.08147; 1000 Genomes Project 30x 0.08198.
gnomAD v4.1: 21,707 of 1,605,400 alleles (1.4%); highest among the groups gnomAD compares: African/African-American, 23%; 2,090 homozygotes.

Submissions (8):

Labcorp Genetics (formerly Invitae), Labcorp
Classification: Benign for Glycine encephalopathy. Last evaluated: 2026-02-04. Review status: criteria provided, single submitter. Criteria: Invitae Variant Classification Sherloc (09022015). Collection method: clinical testing. Allele origin: germline.

Blueprint Genetics
Classification: Benign. Last evaluated: 2024-11-27. Review status: criteria provided, single submitter. Criteria: ACMG Guidelines, 2015. Collection method: clinical testing. Allele origin: germline.

Mayo Clinic Laboratories, Mayo Clinic
Classification: Benign. Last evaluated: 2022-07-01. Review status: criteria provided, single submitter. Criteria: ACMG Guidelines, 2015. Collection method: clinical testing. Allele origin: germline. Observed: 17 variant alleles.

GeneDx
Classification: Benign. Last evaluated: 2018-07-31. Review status: criteria provided, single submitter. Criteria: GeneDx Variant Classification Process June 2021. Collection method: clinical testing. Allele origin: germline. Affected: yes.
Comment: This variant is associated with the following publications: (PMID: 16601880)

Illumina Laboratory Services, Illumina
Classification: Benign for Glycine encephalopathy 1. Last evaluated: 2018-01-13. Review status: criteria provided, single submitter. Criteria: ICSL Variant Classification Criteria 13 December 2019. Collection method: clinical testing. Allele origin: germline.
Comment: This variant was observed in the ICSL laboratory as part of a predisposition screen in an ostensibly healthy population. It had not been previously curated by ICSL or reported in the Human Gene Mutation Database (HGMD: prior to June 1st, 2018), and was therefore a candidate for classification through an automated scoring system. Utilizing variant allele frequency, disease prevalence and penetrance estimates, and inheritance mode, an automated score was calculated to assess if this variant is too frequent to cause the disease. Based on the score and internal cut-off values, a variant classified as benign is not then subjected to further curation. The score for this variant resulted in a classification of benign for this disease.

Athena Diagnostics
Classification: Benign. Last evaluated: 2017-06-29. Review status: criteria provided, single submitter. Criteria: Athena Diagnostics Criteria. Collection method: clinical testing. Allele origin: germline.

Breakthrough Genomics
Classification: Benign. Review status: criteria provided, single submitter. Criteria: ACMG Guidelines, 2015. Collection method: not provided. Allele origin: germline. Inheritance: Autosomal recessive inheritance. Affected: yes.

Natera, Inc.
Classification: Benign for Non-ketotic hyperglycinemia. Last evaluated: 2020-09-16. Review status: no assertion criteria provided. Collection method: clinical testing. Allele origin: germline. Not counted in ClinVar's aggregate classification.

Literature cited by the submitters: PubMed 660 (cited by Athena Diagnostics); PubMed 16601880 (cited by Athena Diagnostics).